The following is an entry in ClinVar:

ClinVar aggregate classification (germline): Benign (1 of 4 stars; one submission).

Conditions:
Melanoma-pancreatic cancer syndrome. Identifiers: Orphanet 404560, MedGen C1838547, MONDO:0011713, OMIM 606719. Disease mechanism: loss of function.

Submission:

Myriad Genetics, Inc.
Classification: Benign for Melanoma-pancreatic cancer syndrome. Last evaluated: 2025-08-12. Review status: criteria provided, single submitter. Criteria: Myriad Autosomal Dominant, Autosomal Recessive and X-Linked Classification Criteria (2023). Collection method: clinical testing. Allele origin: unknown.
Comment: This variant is considered benign. This variant is a silent/synonymous amino acid change and it is not expected to impact splicing.

NM_058195.4(CDKN2A):c.21G>C (p.Val7=)

Gene: CDKN2A (cyclin dependent kinase inhibitor 2A; minus strand). Cytogenetic location: 9p21.3.
Variant type: single nucleotide variant.
Coding change: c.21G>C on transcript NM_058195.4 (MANE Plus Clinical); coding-DNA position 21, G replaced by C.
Protein change: p.Val7=; no amino-acid change (valine 7 retained).
Molecular consequence: synonymous variant. On other transcripts: intron variant (1).
Genome position (GRCh38, 1-based): chr9:21,994,311, C>G on the plus strand (G>C on the coding strand, the complement: CDKN2A is on the minus strand). VCF-style: chr9-21994311-C-G. GRCh37 (hg19) VCF-style: chr9-21994310-C-G.
Other names: c.-4+510G>C (NM_001363763.2).
Identifiers: ClinVar variation 4294143 (VCV004294143.1).